The following is an entry in ClinVar:

ClinVar aggregate classification (germline): Uncertain significance (1 of 4 stars; one submission).

Conditions:
Ataxia-telangiectasia syndrome (AT). Also called: Cerebello-oculocutaneous telangiectasia; Immunodeficiency with ataxia telangiectasia; Ataxia telangiectasia (A-T); LOUIS-BAR SYNDROME; Ataxia-telangiectasia, complementation group D; AT, COMPLEMENTATION GROUP C. Identifiers: Orphanet 100, MedGen C0004135, MONDO:0008840, OMIM 208900.

Submission:

Labcorp Genetics (formerly Invitae), Labcorp
Classification: Uncertain significance for Ataxia-telangiectasia syndrome. Last evaluated: 2022-12-20. Review status: criteria provided, single submitter. Criteria: Invitae Variant Classification Sherloc (09022015). Collection method: clinical testing. Allele origin: germline.
Comment: In summary, the available evidence is currently insufficient to determine the role of this variant in disease. Therefore, it has been classified as a Variant of Uncertain Significance. Algorithms developed to predict the effect of missense changes on protein structure and function (SIFT, PolyPhen-2, Align-GVGD) all suggest that this variant is likely to be tolerated. This variant has not been reported in the literature in individuals affected with ATM-related conditions. This variant is not present in population databases (gnomAD no frequency). This sequence change replaces glutamine, which is neutral and polar, with histidine, which is basic and polar, at codon 1825 of the ATM protein (p.Gln1825His).

NM_000051.4(ATM):c.5475A>T (p.Gln1825His)

Gene: ATM (ATM serine/threonine kinase; plus strand). Cytogenetic location: 11q22.3.
Variant type: single nucleotide variant.
Coding change: c.5475A>T on transcript NM_000051.4 (MANE Select); coding-DNA position 5475, A replaced by T.
Protein change: p.Gln1825His; replaces glutamine 1825 with histidine.
Molecular consequence: missense variant.
Genome position (GRCh38, 1-based): chr11:108,303,008, A>T. VCF-style: chr11-108303008-A-T. GRCh37 (hg19) VCF-style: chr11-108173735-A-T.
Other names: c.5475A>T, p.Gln1825His (NM_001351834.2); short protein forms Q1825H.
Identifiers: ClinVar variation 2015670 (VCV002015670.4), dbSNP rs1555106560, ClinGen allele CA382544422.